The following is an entry in ClinVar:

NM_138694.4(PKHD1):c.1982C>T (p.Thr661Ile)

Gene: PKHD1 (PKHD1 ciliary IPT domain containing fibrocystin/polyductin; minus strand). Cytogenetic location: 6p12.2.
Variant type: single nucleotide variant.
Coding change: c.1982C>T on transcript NM_138694.4 (MANE Select); coding-DNA position 1982, C replaced by T.
Protein change: p.Thr661Ile; replaces threonine 661 with isoleucine.
Molecular consequence: missense variant.
Genome position (GRCh38, 1-based): chr6:52,053,234, G>A on the plus strand (C>T on the coding strand, the complement: PKHD1 is on the minus strand). VCF-style: chr6-52053234-G-A. GRCh37 (hg19) VCF-style: chr6-51918032-G-A.
Other names: c.1982C>T, p.Thr661Ile (NM_170724.3); short protein forms T661I.
Identifiers: ClinVar variation 1040655 (VCV001040655.7), dbSNP rs1012552954, ClinGen allele CA138969455.

ClinVar aggregate classification (germline): Uncertain significance. Review status: criteria provided, single submitter (1 of 4 stars). 2 submissions from 2 submitters: Uncertain significance (1). 1 of the submissions does not count toward it. Last evaluated 2021-08-31.

Conditions:
Autosomal recessive polycystic kidney disease (ARPKD). Also called: AR polycystic kidney disease. Identifiers: Orphanet 731, Orphanet 8378, MedGen C0085548, MeSH D017044, MONDO:0009889.

Allele frequency attached by ClinVar (database versions not stated): TOPMed 0.00002.

Submissions (2):

Labcorp Genetics (formerly Invitae), Labcorp
Classification: Uncertain significance for Autosomal recessive polycystic kidney disease. Last evaluated: 2021-08-31. Review status: criteria provided, single submitter. Criteria: Invitae Variant Classification Sherloc (09022015). Collection method: clinical testing. Allele origin: germline.
Comment: This sequence change replaces threonine with isoleucine at codon 661 of the PKHD1 protein (p.Thr661Ile). The threonine residue is weakly conserved and there is a moderate physicochemical difference between threonine and isoleucine. This variant is not present in population databases (ExAC no frequency). This variant has not been reported in the literature in individuals affected with PKHD1-related conditions. Advanced modeling of protein sequence and biophysical properties (such as structural, functional, and spatial information, amino acid conservation, physicochemical variation, residue mobility, and thermodynamic stability) performed at Invitae indicates that this missense variant is not expected to disrupt PKHD1 protein function. In summary, the available evidence is currently insufficient to determine the role of this variant in disease. Therefore, it has been classified as a Variant of Uncertain Significance.

Natera, Inc.
Classification: Uncertain significance for Autosomal recessive polycystic kidney disease. Last evaluated: 2020-04-10. Review status: no assertion criteria provided. Collection method: clinical testing. Allele origin: germline. Not counted in ClinVar's aggregate classification.